The following is an entry in ClinVar:

ClinVar aggregate classification (germline): Uncertain significance (1 of 4 stars; one submission).

Conditions:
Nemaline myopathy 9 (NEM9). Identifiers: MedGen C3810384, MONDO:0014326, OMIM 615731.

Allele frequency attached by ClinVar (database versions not stated): gnomAD exomes below 0.00001.
gnomAD v4.1: 2 of 1,614,156 alleles (0.00012%); highest among the groups gnomAD compares: Non-Finnish European, 0.00017%; no homozygotes.

Submission:

Labcorp Genetics (formerly Invitae), Labcorp
Classification: Uncertain significance for Nemaline myopathy 9. Last evaluated: 2021-09-21. Review status: criteria provided, single submitter. Criteria: Invitae Variant Classification Sherloc (09022015). Collection method: clinical testing. Allele origin: germline.
Comment: This sequence change replaces aspartic acid with glycine at codon 34 of the KLHL41 protein (p.Asp34Gly). The aspartic acid residue is highly conserved and there is a moderate physicochemical difference between aspartic acid and glycine. This variant is not present in population databases (ExAC no frequency). This variant has not been reported in the literature in individuals affected with KLHL41-related conditions. Algorithms developed to predict the effect of missense changes on protein structure and function (SIFT, PolyPhen-2, Align-GVGD) all suggest that this variant is likely to be disruptive. In summary, the available evidence is currently insufficient to determine the role of this variant in disease. Therefore, it has been classified as a Variant of Uncertain Significance.

NM_006063.3(KLHL41):c.101A>G (p.Asp34Gly)

Gene: KLHL41 (kelch like family member 41; plus strand). Cytogenetic location: 2q31.1.
Variant type: single nucleotide variant.
Coding change: c.101A>G on transcript NM_006063.3 (MANE Select); coding-DNA position 101, A replaced by G.
Protein change: p.Asp34Gly; replaces aspartic acid 34 with glycine.
Molecular consequence: missense variant.
Genome position (GRCh38, 1-based): chr2:169,509,879, A>G. VCF-style: chr2-169509879-A-G. GRCh37 (hg19) VCF-style: chr2-170366389-A-G.
Other names: short protein forms D34G.
Identifiers: ClinVar variation 1417397 (VCV001417397.6), dbSNP rs2105307804, ClinGen allele CA349172929.